The following is an entry in ClinVar:

NM_006361.6(HOXB13):c.602-17C>T

Gene: HOXB13 (homeobox B13; minus strand). Cytogenetic location: 17q21.32.
Variant type: single nucleotide variant.
Coding change: c.602-17C>T on transcript NM_006361.6 (MANE Select); 17 bases into the intron before coding-DNA position 602, C replaced by T.
Molecular consequence: intron variant.
Genome position (GRCh38, 1-based): chr17:48,727,060, G>A on the plus strand (C>T on the coding strand, the complement: HOXB13 is on the minus strand). VCF-style: chr17-48727060-G-A. GRCh37 (hg19) VCF-style: chr17-46804422-G-A.
Identifiers: ClinVar variation 3773113 (VCV003773113.1).

ClinVar aggregate classification (germline): Likely benign (1 of 4 stars; one submission).

Conditions:
Prostate cancer, hereditary, 9 (HPC9). Identifiers: Orphanet 1331, MedGen C1970250, MONDO:0012597, OMIM 610997.

Submission:

Myriad Genetics, Inc.
Classification: Likely benign for Prostate cancer, hereditary, 9. Last evaluated: 2024-10-30. Review status: criteria provided, single submitter. Criteria: Myriad Autosomal Dominant, Autosomal Recessive and X-Linked Classification Criteria (2023). Collection method: clinical testing. Allele origin: unknown.
Comment: This variant is considered likely benign. This variant is intronic and is not expected to impact mRNA splicing.